The following is an entry in ClinVar:

NM_000143.4(FH):c.1508C>G (p.Pro503Arg)

Gene: FH (fumarate hydratase; minus strand). Cytogenetic location: 1q43.
Variant type: single nucleotide variant.
Coding change: c.1508C>G on transcript NM_000143.4 (MANE Select); coding-DNA position 1508, C replaced by G.
Protein change: p.Pro503Arg; replaces proline 503 with arginine.
Molecular consequence: missense variant.
Genome position (GRCh38, 1-based): chr1:241,497,853, G>C on the plus strand (C>G on the coding strand, the complement: FH is on the minus strand). VCF-style: chr1-241497853-G-C. GRCh37 (hg19) VCF-style: chr1-241661153-G-C.
Other names: short protein forms P503R.
Identifiers: ClinVar variation 1042485 (VCV001042485.12), dbSNP rs1659661748, ClinGen allele CA345450134.
Genomic context (GRCh38, chr1:241,497,853, plus strand): 5'-TATACATGTTTATTTTCATTATAAATTTATGTAAATCACTTTGGACCCAGCATGTCCTTA[G>C]GTTTTACCCATTCGTCAAACTGCTCTGCTGTGAGATAGCCAAGTTCGATAGCAGTTTCCT-3'
Protein context (NP_000134.2, residues 493-510): TAEQFDEWVK[Pro503Arg]KDMLGPK

ClinVar aggregate classification (germline): Uncertain significance. Review status: criteria provided, multiple submitters, no conflicts (2 of 4 stars). 3 submissions from 3 submitters: Uncertain significance (3). Last evaluated 2023-12-28.

Conditions:
Fumarase deficiency (FMRD). Also called: Fumarate Hydratase Deficiency; Fumaric aciduria. Identifiers: Orphanet 24, MedGen C0342770, MONDO:0011730, OMIM 606812.
Hereditary leiomyomatosis and renal cell cancer. Also called: LEIOMYOMA, MULTIPLE CUTANEOUS; MULTIPLE CUTANEOUS AND UTERINE LEIOMYOMATA 1, WITH OR WITHOUT RENAL CELL CARCINOMA; Reed syndrome; Multiple cutaneous and uterine leiomyomatosis; Cutaneous leiomyomata with uterine leiomyomata; Leiomyoma, hereditary multiple, of skin. Identifiers: Orphanet 523, MedGen C1708350, MONDO:0007888, OMIM 150800, HP:0007437. Disease mechanism: loss of function.
Hereditary cancer-predisposing syndrome. Also called: Tumor predisposition; Neoplastic Syndromes, Hereditary; Hereditary neoplastic syndrome; Hereditary Cancer Syndrome. Identifiers: Orphanet 140162, MedGen C0027672, MeSH D009386, MONDO:0015356.

Submissions (3):

Fulgent Genetics
Classification: Uncertain significance for Hereditary leiomyomatosis and renal cell cancer; Fumarase deficiency. Last evaluated: 2023-12-28. Review status: criteria provided, single submitter. Criteria: ACMG Guidelines, 2015. Collection method: clinical testing. Allele origin: germline.

Ambry Genetics
Classification: Uncertain significance for Hereditary cancer-predisposing syndrome. Last evaluated: 2023-11-22. Review status: criteria provided, single submitter. Criteria: Ambry Variant Classification Scheme 2023. Collection method: clinical testing. Allele origin: germline.
Comment: The p.P503R variant (also known as c.1508C>G), located in coding exon 10 of the FH gene, results from a C to G substitution at nucleotide position 1508. The proline at codon 503 is replaced by arginine, an amino acid with dissimilar properties. This amino acid position is highly conserved in available vertebrate species. In addition, this alteration is predicted to be deleterious by in silico analysis. Since supporting evidence is limited at this time, the clinical significance of this alteration remains unclear.

Labcorp Genetics (formerly Invitae), Labcorp
Classification: Uncertain significance. Last evaluated: 2022-11-14. Review status: criteria provided, single submitter. Criteria: Invitae Variant Classification Sherloc (09022015). Collection method: clinical testing. Allele origin: germline.
Comment: This sequence change replaces proline, which is neutral and non-polar, with arginine, which is basic and polar, at codon 503 of the FH protein (p.Pro503Arg). This variant is not present in population databases (gnomAD no frequency). This variant has not been reported in the literature in individuals affected with FH-related conditions. ClinVar contains an entry for this variant (Variation ID: 1042485). Advanced modeling of protein sequence and biophysical properties (such as structural, functional, and spatial information, amino acid conservation, physicochemical variation, residue mobility, and thermodynamic stability) performed at Invitae indicates that this missense variant is expected to disrupt FH protein function. In summary, the available evidence is currently insufficient to determine the role of this variant in disease. Therefore, it has been classified as a Variant of Uncertain Significance.